The following is an entry in ClinVar:

ClinVar aggregate classification (germline): Uncertain significance (1 of 4 stars; one submission).

Submission:

GeneDx
Classification: Uncertain significance. Last evaluated: 2024-05-24. Review status: criteria provided, single submitter. Criteria: GeneDx Variant Classification Process June 2021. Collection method: clinical testing. Allele origin: germline. Affected: yes.
Comment: Not observed at significant frequency in large population cohorts (gnomAD); In silico analysis supports that this missense variant has a deleterious effect on protein structure/function; Has not been previously published as pathogenic or benign to our knowledge

NM_004970.3(IGFALS):c.523C>T (p.Leu175Phe)

Gene: IGFALS (insulin like growth factor binding protein acid labile subunit; minus strand). Cytogenetic location: 16p13.3.
Variant type: single nucleotide variant.
Coding change: c.523C>T on transcript NM_004970.3 (MANE Select); coding-DNA position 523, C replaced by T.
Protein change: p.Leu175Phe; replaces leucine 175 with phenylalanine.
Molecular consequence: missense variant. On other transcripts: non-coding transcript variant (1).
Genome position (GRCh38, 1-based): chr16:1,791,895, G>A on the plus strand (C>T on the coding strand, the complement: IGFALS is on the minus strand). VCF-style: chr16-1791895-G-A. GRCh37 (hg19) VCF-style: chr16-1841896-G-A.
Other names: c.637C>T, p.Leu213Phe (NM_001146006.2); short protein forms L175F, L213F.
Identifiers: ClinVar variation 3390663 (VCV003390663.1).